The following is an entry in ClinVar:

ClinVar aggregate classification (germline): Uncertain significance. Review status: criteria provided, multiple submitters, no conflicts (2 of 4 stars). 3 submissions from 3 submitters: Uncertain significance (3). Last evaluated 2024-11-02.

Conditions:
Hereditary cancer-predisposing syndrome. Also called: Neoplastic Syndromes, Hereditary; Hereditary Cancer Syndrome; Hereditary neoplastic syndrome; Tumor predisposition. Identifiers: Orphanet 140162, MedGen C0027672, MeSH D009386, MONDO:0015356.

Submissions (3):

Quest Diagnostics Nichols Institute San Juan Capistrano
Classification: Uncertain significance. Last evaluated: 2024-11-02. Review status: criteria provided, single submitter. Criteria: Quest Diagnostics criteria. Collection method: clinical testing. Allele origin: unknown.
Comment: The BRIP1 c.1225A>T (p.Ser409Cys) variant has not been reported in individuals with BRIP1-related conditions in the published literature. It also has not been reported in large, multi-ethnic general populations (Genome Aggregation Database). Analysis of this variant using bioinformatics tools for the prediction of the effect of amino acid changes on protein structure and function yielded conflicting predictions that this variant is benign or damaging. Based on the available information, we are unable to determine the clinical significance of this variant.

GeneDx
Classification: Uncertain significance. Last evaluated: 2024-08-07. Review status: criteria provided, single submitter. Criteria: GeneDx Variant Classification Process June 2021. Collection method: clinical testing. Allele origin: germline. Affected: yes.
Comment: Not observed at significant frequency in large population cohorts (gnomAD); In silico analysis supports that this missense variant has a deleterious effect on protein structure/function; Has not been previously published as pathogenic or benign to our knowledge

Ambry Genetics
Classification: Uncertain significance for Hereditary cancer-predisposing syndrome. Last evaluated: 2023-05-15. Review status: criteria provided, single submitter. Criteria: Ambry Variant Classification Scheme 2023. Collection method: clinical testing. Allele origin: germline.
Comment: The p.S409C variant (also known as c.1225A>T), located in coding exon 8 of the BRIP1 gene, results from an A to T substitution at nucleotide position 1225. The serine at codon 409 is replaced by cysteine, an amino acid with dissimilar properties. This amino acid position is conserved. In addition, this alteration is predicted to be tolerated by in silico analysis. Since supporting evidence is limited at this time, the clinical significance of this alteration remains unclear.

NM_032043.3(BRIP1):c.1225A>T (p.Ser409Cys)

Gene: BRIP1 (BRCA1 interacting DNA helicase 1; minus strand). Cytogenetic location: 17q23.2.
Variant type: single nucleotide variant.
Coding change: c.1225A>T on transcript NM_032043.3 (MANE Select); coding-DNA position 1225, A replaced by T.
Protein change: p.Ser409Cys; replaces serine 409 with cysteine.
Molecular consequence: missense variant.
Genome position (GRCh38, 1-based): chr17:61,799,215, T>A on the plus strand (A>T on the coding strand, the complement: BRIP1 is on the minus strand). VCF-style: chr17-61799215-T-A. GRCh37 (hg19) VCF-style: chr17-59876576-T-A.
Other names: short protein forms S409C.
Identifiers: ClinVar variation 2564602 (VCV002564602.4), dbSNP rs2145306044, ClinGen allele CA400483653.